The following is an entry in ClinVar:

NM_024301.5(FKRP):c.688G>A (p.Gly230Ser)

Gene: FKRP (fukutin related protein; plus strand). Cytogenetic location: 19q13.32.
Variant type: single nucleotide variant.
Coding change: c.688G>A on transcript NM_024301.5 (MANE Select); coding-DNA position 688, G replaced by A.
Protein change: p.Gly230Ser; replaces glycine 230 with serine.
Molecular consequence: missense variant.
Genome position (GRCh38, 1-based): chr19:46,756,138, G>A. VCF-style: chr19-46756138-G-A. GRCh37 (hg19) VCF-style: chr19-47259395-G-A.
Other names: c.688G>A, p.Gly230Ser (NM_001039885.3); c.688G>A (NM_024301.4); short protein forms G230S.
Identifiers: ClinVar variation 1045410 (VCV001045410.7), dbSNP rs761054322, ClinGen allele CA9532191.

ClinVar aggregate classification (germline): Uncertain significance. Review status: criteria provided, single submitter (1 of 4 stars). 2 submissions from 2 submitters: Uncertain significance (1). 1 of the submissions does not count toward it. Last evaluated 2021-08-26.

Conditions:
Walker-Warburg congenital muscular dystrophy. Also called: Muscular dystrophy-dystroglycanopathy, type A; Walker-Warburg syndrome. Identifiers: Orphanet 899, MedGen C0265221, MONDO:0000171.
Autosomal recessive limb-girdle muscular dystrophy type 2I. Also called: MUSCULAR DYSTROPHY-DYSTROGLYCANOPATHY (LIMB-GIRDLE), TYPE C, 5; MUSCULAR DYSTROPHY-DYSTROGLYCANOPATHY, LIMB-GIRDLE, FRKP-RELATED; MUSCULAR DYSTROPHY, LIMB-GIRDLE, TYPE 2I. Identifiers: Orphanet 34515, MedGen C1846672, MONDO:0011787, OMIM 607155.

Allele frequency attached by ClinVar (database versions not stated): ExAC below 0.00001; gnomAD exomes 0.00001.
gnomAD v4.1: 7 of 1,487,574 alleles (0.00047%); highest among the groups gnomAD compares: Middle Eastern, 0.017%; no homozygotes.

Submissions (2):

Labcorp Genetics (formerly Invitae), Labcorp
Classification: Uncertain significance for Walker-Warburg congenital muscular dystrophy. Last evaluated: 2021-08-26. Review status: criteria provided, single submitter. Criteria: Invitae Variant Classification Sherloc (09022015). Collection method: clinical testing. Allele origin: germline.
Comment: This sequence change replaces glycine with serine at codon 230 of the FKRP protein (p.Gly230Ser). The glycine residue is highly conserved and there is a small physicochemical difference between glycine and serine. The frequency data for this variant in the population databases is considered unreliable, as metrics indicate poor data quality at this position in the ExAC database. This variant has not been reported in the literature in individuals affected with FKRP-related conditions. Algorithms developed to predict the effect of missense changes on protein structure and function are either unavailable or do not agree on the potential impact of this missense change (SIFT: "Tolerated"; PolyPhen-2: "Probably Damaging"; Align-GVGD: "Class C0"). Algorithms developed to predict the effect of sequence changes on RNA splicing suggest that this variant may create or strengthen a splice site. In summary, the available evidence is currently insufficient to determine the role of this variant in disease. Therefore, it has been classified as a Variant of Uncertain Significance.

Natera, Inc.
Classification: Uncertain significance for Limb-girdle muscular dystrophy type 2I. Last evaluated: 2025-01-10. Review status: no assertion criteria provided. Collection method: clinical testing. Allele origin: germline. Not counted in ClinVar's aggregate classification.